The following is an entry in ClinVar:

ClinVar aggregate classification (germline): Likely benign. Review status: criteria provided, multiple submitters, no conflicts (2 of 4 stars). 6 submissions from 6 submitters: Likely benign (5). 1 of the submissions does not count toward it. Last evaluated 2025-07-27.

Conditions:
Ehlers-Danlos syndrome, type 4 (EDSVASC). Also called: Ehlers-Danlos syndrome vascular type; Ehlers Danlos syndrome, ecchymotic type; Ehlers Danlos syndrome, arterial type; Ehlers Danlos syndrome, Sack-Barabas type; Ehlers-Danlos Syndrome Type IV. Identifiers: Orphanet 286, MedGen C0268338, MONDO:0017314, OMIM 130050.
Familial thoracic aortic aneurysm and aortic dissection (TAAD). Also called: Thoracic aortic aneurysms and dissections. Identifiers: Orphanet 91387, MedGen C4707243, MONDO:0019625.
COL3A1-related disorder. Also called: COL3A1-related condition.

Allele frequency attached by ClinVar (database versions not stated): gnomAD exomes 0.00001 and 0.00002; ExAC 0.00002; TOPMed 0.00002.
gnomAD v4.1: 13 of 1,614,246 alleles (0.00081%); highest among the groups gnomAD compares: South Asian, 0.011%; no homozygotes.

Submissions (6):

Labcorp Genetics (formerly Invitae), Labcorp
Classification: Likely benign for Ehlers-Danlos syndrome, type 4. Last evaluated: 2025-07-27. Review status: criteria provided, single submitter. Criteria: Invitae Variant Classification Sherloc (09022015). Collection method: clinical testing. Allele origin: germline.

Women's Health and Genetics/Laboratory Corporation of America, LabCorp
Classification: Likely benign. Last evaluated: 2024-09-14. Review status: criteria provided, single submitter. Criteria: LabCorp Variant Classification Summary - May 2015. Collection method: clinical testing. Allele origin: germline.

All of Us Research Program, National Institutes of Health
Classification: Likely benign for Ehlers-Danlos syndrome, type 4. Last evaluated: 2023-08-15. Review status: criteria provided, single submitter. Criteria: ACMG Guidelines, 2015. Collection method: clinical testing. Allele origin: germline. Inheritance: Autosomal dominant inheritance. Observed: 1 variant allele, 1 heterozygote.
Comment: This study involves interpretation of variants in research participants for the purpose of population health screening. Participant phenotype was not available at the time of variant classification. Additional details can be found in publication PMID: 35346344, PMCID: PMC8962531

Ambry Genetics
Classification: Likely benign for Familial thoracic aortic aneurysm and aortic dissection. Last evaluated: 2020-03-17. Review status: criteria provided, single submitter. Criteria: Ambry Variant Classification Scheme 2023. Collection method: clinical testing. Allele origin: germline.

Color Diagnostics, LLC DBA Color Health
Classification: Likely benign for Familial thoracic aortic aneurysm and aortic dissection. Last evaluated: 2018-10-30. Review status: criteria provided, single submitter. Criteria: ACMG Guidelines, 2015. Collection method: clinical testing. Allele origin: germline.

PreventionGenetics, part of Exact Sciences
Classification: Likely benign for COL3A1-related condition. Last evaluated: 2019-03-27. Review status: no assertion criteria provided. Collection method: clinical testing. Allele origin: germline. Not counted in ClinVar's aggregate classification.
Comment: This variant is classified as likely benign based on ACMG/AMP sequence variant interpretation guidelines (Richards et al. 2015 PMID: 25741868, with internal and published modifications).

NM_000090.4(COL3A1):c.1473A>C (p.Arg491=)

Gene: COL3A1 (collagen type III alpha 1 chain; plus strand). Cytogenetic location: 2q32.2.
Variant type: single nucleotide variant.
Coding change: c.1473A>C on transcript NM_000090.4 (MANE Select); coding-DNA position 1473, A replaced by C.
Protein change: p.Arg491=; no amino-acid change (arginine 491 retained).
Molecular consequence: synonymous variant.
Genome position (GRCh38, 1-based): chr2:188,995,063, A>C. VCF-style: chr2-188995063-A-C. GRCh37 (hg19) VCF-style: chr2-189859789-A-C.
Identifiers: ClinVar variation 704925 (VCV000704925.17), dbSNP rs759650260, ClinGen allele CA074364.
Genomic context (GRCh38, chr2:188,995,063, plus strand): 5'-TGAAATCCTTTGGACTGAAATACTTGTCTTTCATTATTTTCAGGGTGCCCCTGGGTTCCG[A>C]GGACCTGCTGGACCAAATGGCATCCCAGGAGAAAAGGTAGATAACTTTAGTTTCTATGTT-3'
Protein context (NP_000081.2, residues 481-501): AAGERGAPGF[Arg491=]GPAGPNGIPG